The following is an entry in ClinVar:

ClinVar aggregate classification (germline): Likely pathogenic. Review status: criteria provided, multiple submitters, no conflicts (2 of 4 stars). 2 submissions from 2 submitters: Likely pathogenic (2). Last evaluated 2025-06-05.

Conditions:
Ellis-van Creveld syndrome (EVC). Also called: EVC-Related Ellis-van Creveld Syndrome; EVC2-Related Ellis-van Creveld Syndrome; MESOECTODERMAL DYSPLASIA; Chondroectodermal dysplasia. Identifiers: Orphanet 289, MedGen C0013903, MONDO:0009162, OMIM 225500.
Curry-Hall syndrome (WAD). Also called: WEYERS ACRODENTAL DYSOSTOSIS. Identifiers: Orphanet 952, MedGen C0457013, MONDO:0008673, OMIM 193530.

Submissions (2):

Labcorp Genetics (formerly Invitae), Labcorp
Classification: Likely pathogenic for Curry-Hall syndrome; Ellis-van Creveld syndrome. Last evaluated: 2025-06-05. Review status: criteria provided, single submitter. Criteria: Invitae Variant Classification Sherloc (09022015). Collection method: clinical testing. Allele origin: germline.
Comment: This sequence change affects an acceptor splice site in intron 7 of the EVC gene. It is expected to disrupt RNA splicing. Variants that disrupt the donor or acceptor splice site typically lead to a loss of protein function (PMID: 16199547), and loss-of-function variants in EVC are known to be pathogenic (PMID: 23220543). This variant is not present in population databases (gnomAD no frequency). This variant has not been reported in the literature in individuals affected with EVC-related conditions. Algorithms developed to predict the effect of sequence changes on RNA splicing suggest that this variant may disrupt the consensus splice site. In summary, the currently available evidence indicates that the variant is pathogenic, but additional data are needed to prove that conclusively. Therefore, this variant has been classified as Likely Pathogenic.

Natera, Inc.
Classification: Likely pathogenic for Ellis-van Creveld syndrome. Last evaluated: 2024-04-02. Review status: criteria provided, single submitter. Criteria: Natera Variant Classification Schema (03/2026). Collection method: clinical testing. Allele origin: germline.
Comment: The c.940-1G>A variant in EVC is a canonical splice acceptor site variant predicted to affect pre-mRNA splicing, which may result in an abnormal transcript and altered protein product. This variant is expected to result in nonsense mediated decay, truncation, or a dysfunctional protein product. This variant is rare in the general population with a frequency below the threshold expected for the associated phenotype(s). Given the available evidence, this variant is classified as Likely Pathogenic.

Literature cited by the submitters: PubMed 16199547 (cited by Labcorp Genetics (formerly Invitae), Labcorp); PubMed 23220543 (cited by Labcorp Genetics (formerly Invitae), Labcorp).

NM_153717.3(EVC):c.940-1G>A

Gene: EVC (EvC ciliary complex subunit 1; plus strand). Cytogenetic location: 4p16.2.
Variant type: single nucleotide variant.
Coding change: c.940-1G>A on transcript NM_153717.3 (MANE Select); the canonical splice acceptor site of the intron before coding-DNA position 940, G replaced by A.
Molecular consequence: splice acceptor variant.
Genome position (GRCh38, 1-based): chr4:5,748,147, G>A. VCF-style: chr4-5748147-G-A. GRCh37 (hg19) VCF-style: chr4-5749874-G-A.
Other names: c.940-1G>A (NM_001306090.2, NM_001306092.2, NM_153717.2).
Identifiers: ClinVar variation 4791344 (VCV004791344.2).